The following is an entry in ClinVar:

ClinVar aggregate classification (germline): Uncertain significance (1 of 4 stars; one submission).

Allele frequency attached by ClinVar (database versions not stated): TOPMed 0.00001.

Submission:

Labcorp Genetics (formerly Invitae), Labcorp
Classification: Uncertain significance. Last evaluated: 2023-12-12. Review status: criteria provided, single submitter. Criteria: Invitae Variant Classification Sherloc (09022015). Collection method: clinical testing. Allele origin: germline.
Comment: This sequence change replaces methionine, which is neutral and non-polar, with leucine, which is neutral and non-polar, at codon 1888 of the PIEZO2 protein (p.Met1888Leu). This variant is not present in population databases (gnomAD no frequency). This variant has not been reported in the literature in individuals affected with PIEZO2-related conditions. An algorithm developed to predict the effect of missense changes on protein structure and function (PolyPhen-2) suggests that this variant is likely to be disruptive. In summary, the available evidence is currently insufficient to determine the role of this variant in disease. Therefore, it has been classified as a Variant of Uncertain Significance.

NM_001378183.1(PIEZO2):c.6001A>T (p.Met2001Leu)

Gene: PIEZO2 (piezo type mechanosensitive ion channel component 2; minus strand). Cytogenetic location: 18p11.22.
Variant type: single nucleotide variant.
Coding change: c.6001A>T on transcript NM_001378183.1 (MANE Select); coding-DNA position 6001, A replaced by T.
Protein change: p.Met2001Leu; replaces methionine 2001 with leucine.
Molecular consequence: missense variant.
Genome position (GRCh38, 1-based): chr18:10,704,651, T>A on the plus strand (A>T on the coding strand, the complement: PIEZO2 is on the minus strand). VCF-style: chr18-10704651-T-A. GRCh37 (hg19) VCF-style: chr18-10704649-T-A.
Other names: c.5737A>T, p.Met1913Leu (NM_001410871.1); c.5662A>T, p.Met1888Leu (NM_022068.4); short protein forms M1888L, M1913L, M2001L.
Identifiers: ClinVar variation 2824501 (VCV002824501.3), dbSNP rs1598379210, ClinGen allele CA401910186.